The following is an entry in ClinVar:

NM_005359.6(SMAD4):c.1566T>G (p.Pro522=)

Gene: SMAD4 (SMAD family member 4; plus strand). Cytogenetic location: 18q21.2.
Variant type: single nucleotide variant.
Coding change: c.1566T>G on transcript NM_005359.6 (MANE Select); coding-DNA position 1566, T replaced by G.
Protein change: p.Pro522=; no amino-acid change (proline 522 retained).
Molecular consequence: synonymous variant.
Genome position (GRCh38, 1-based): chr18:51,078,374, T>G. VCF-style: chr18-51078374-T-G. GRCh37 (hg19) VCF-style: chr18-48604744-T-G.
Identifiers: ClinVar variation 516050 (VCV000516050.11), dbSNP rs1555687593, ClinGen allele CA503874029.
Genomic context (GRCh38, chr18:51,078,374, plus strand): 5'-GATGAGTTTTGTGAAAGGCTGGGGACCGGATTACCCAAGACAGAGCATCAAAGAAACACC[T>G]TGCTGGATTGAAATTCACTTACACCGGGCCCTCCAGCTCCTAGACGAAGTACTTCATACC-3'
Protein context (NP_005350.1, residues 512-532): DYPRQSIKET[Pro522=]CWIEIHLHRA

ClinVar aggregate classification (germline): Benign/Likely benign. Review status: criteria provided, multiple submitters, no conflicts (2 of 4 stars). 4 submissions from 4 submitters: Benign (1); Likely benign (3). Last evaluated 2025-03-24.

Conditions:
Hereditary cancer-predisposing syndrome. Also called: Hereditary neoplastic syndrome; Tumor predisposition; Neoplastic Syndromes, Hereditary; Hereditary Cancer Syndrome. Identifiers: Orphanet 140162, MedGen C0027672, MeSH D009386, MONDO:0015356.
Familial thoracic aortic aneurysm and aortic dissection (TAAD). Also called: Thoracic aortic aneurysms and dissections. Identifiers: Orphanet 91387, MedGen C4707243, MONDO:0019625.
Juvenile polyposis syndrome (JPS). Identifiers: Orphanet 2929, MedGen C0345893, MONDO:0017380, OMIM 174900.
Juvenile polyposis/hereditary hemorrhagic telangiectasia syndrome (JPHT). Also called: Juvenile Polyposis Syndrome / Hereditary Hemorrhagic Telangiectasia (JPS/HHT); JP/HHT SYNDROME; JUVENILE POLYPOSIS WITH HEREDITARY HEMORRHAGIC TELANGIECTASIA; POLYPOSIS, GENERALIZED JUVENILE, WITH PULMONARY ARTERIOVENOUS MALFORMATION; TELANGIECTASIA, HEREDITARY HEMORRHAGIC, WITH JUVENILE POLYPOSIS COLI. Identifiers: Orphanet 2929, MedGen C1832942, MONDO:0008278, OMIM 175050.

Submissions (4):

Myriad Genetics, Inc.
Classification: Benign for Juvenile polyposis/hereditary hemorrhagic telangiectasia syndrome. Last evaluated: 2025-03-24. Review status: criteria provided, single submitter. Criteria: Myriad Autosomal Dominant, Autosomal Recessive and X-Linked Classification Criteria (2023). Collection method: clinical testing. Allele origin: unknown.
Comment: This variant is considered benign. This variant is a silent/synonymous amino acid change and it is not expected to impact splicing.

Ambry Genetics
Classification: Likely benign for Hereditary cancer-predisposing syndrome; Familial thoracic aortic aneurysm and aortic dissection. Last evaluated: 2024-02-09. Review status: criteria provided, single submitter. Criteria: Ambry Variant Classification Scheme 2023. Collection method: clinical testing. Allele origin: germline.

Labcorp Genetics (formerly Invitae), Labcorp
Classification: Likely benign for Juvenile polyposis syndrome. Last evaluated: 2020-02-11. Review status: criteria provided, single submitter. Criteria: Invitae Variant Classification Sherloc (09022015). Collection method: clinical testing. Allele origin: germline.

GeneDx
Classification: Likely benign. Last evaluated: 2018-03-12. Review status: criteria provided, single submitter. Criteria: GeneDx Variant Classification (06012015). Collection method: clinical testing. Allele origin: germline. Affected: yes.
Comment: This variant is considered likely benign or benign based on one or more of the following criteria: it is a conservative change, it occurs at a poorly conserved position in the protein, it is predicted to be benign by multiple in silico algorithms, and/or has population frequency not consistent with disease.